The following is an entry in ClinVar:

NM_004415.4(DSP):c.4274G>A (p.Arg1425Lys)

Gene: DSP (desmoplakin; plus strand). Cytogenetic location: 6p24.3.
Variant type: single nucleotide variant.
Coding change: c.4274G>A on transcript NM_004415.4 (MANE Select); coding-DNA position 4274, G replaced by A.
Protein change: p.Arg1425Lys; replaces arginine 1425 with lysine.
Molecular consequence: missense variant. On other transcripts: intron variant (2).
Genome position (GRCh38, 1-based): chr6:7,580,464, G>A. VCF-style: chr6-7580464-G-A. GRCh37 (hg19) VCF-style: chr6-7580697-G-A.
Other names: c.4050+224G>A (NM_001319034.2); c.3582+692G>A (NM_001008844.3); c.4274G>A (LRG_423t1); short protein forms R1425K.
Identifiers: ClinVar variation 451167 (VCV000451167.37), dbSNP rs577560157, ClinGen allele CA040954.

ClinVar aggregate classification (germline): Conflicting classifications of pathogenicity. Review status: criteria provided, conflicting classifications (1 of 4 stars). 5 submissions from 5 submitters: Uncertain significance (4); Likely benign (1). Last evaluated 2025-04-15.

Conditions:
Cardiomyopathy (CMYO). Also called: Cardiomyopathies. Identifiers: Orphanet 167848, MedGen C0878544, MONDO:0004994, HP:0001638. Inheritance: Various modes of inheritance.
Cardiovascular phenotype. Identifiers: MedGen CN230736.
Arrhythmogenic right ventricular dysplasia 8 (ARVD8). Also called: Arrhythmogenic Right Ventricular Dysplasia/Cardiomyopathy 8; ARRHYTHMOGENIC RIGHT VENTRICULAR DYSPLASIA, FAMILIAL, 8; ARRHYTHMOGENIC RIGHT VENTRICULAR CARDIOMYOPATHY 8. Identifiers: MedGen C1843896, MONDO:0011831, OMIM 607450.
Arrhythmogenic cardiomyopathy with wooly hair and keratoderma. Also called: PALMOPLANTAR KERATODERMA WITH LEFT VENTRICULAR CARDIOMYOPATHY AND WOOLLY HAIR; Carvajal syndrome; Dilated cardiomyopathy with woolly hair and keratoderma; Arrhythmogenic cardiomyopathy with woolly hair and keratoderma. Identifiers: Orphanet 65282, MedGen C1854063, MONDO:0011581, OMIM 605676.

Allele frequency attached by ClinVar (database versions not stated): gnomAD 0.00001; gnomAD exomes 0.00001 and 0.00002; TOPMed 0.00001; ExAC 0.00002.
gnomAD v4.1: 19 of 1,613,948 alleles (0.0012%); highest among the groups gnomAD compares: Non-Finnish European, 0.0016%; no homozygotes.

Submissions (5):

Color Diagnostics, LLC DBA Color Health
Classification: Uncertain significance for Cardiomyopathy. Last evaluated: 2025-04-15. Review status: criteria provided, single submitter. Criteria: ACMG Guidelines, 2015. Collection method: clinical testing. Allele origin: germline.
Comment: This missense variant replaces arginine with lysine at codon 1425 of the DSP protein. Computational prediction suggests that this variant may not impact protein structure and function. To our knowledge, functional studies have not been reported for this variant. This variant has been reported in several individuals affected with dilated cardiomyopathy (PMID: 25332820, 30847666, 31983221). This variant has been identified in 4/251366 chromosomes in the general population by the Genome Aggregation Database (gnomAD). The available evidence is insufficient to determine the role of this variant in disease conclusively. Therefore, this variant is classified as a Variant of Uncertain Significance.

Labcorp Genetics (formerly Invitae), Labcorp
Classification: Likely benign for Arrhythmogenic cardiomyopathy with wooly hair and keratoderma; Arrhythmogenic right ventricular dysplasia 8. Last evaluated: 2025-01-30. Review status: criteria provided, single submitter. Criteria: Invitae Variant Classification Sherloc (09022015). Collection method: clinical testing. Allele origin: germline.

CeGaT Center for Human Genetics Tuebingen
Classification: Uncertain significance. Last evaluated: 2024-02-01. Review status: criteria provided, single submitter. Criteria: CeGaT Center For Human Genetics Tuebingen Variant Classification Criteria Version 2. Collection method: clinical testing. Allele origin: germline. Affected: yes. Observed: 1 variant allele.
Comment: DSP: PM2, BP4

Ambry Genetics
Classification: Uncertain significance for Cardiovascular phenotype. Last evaluated: 2023-05-19. Review status: criteria provided, single submitter. Criteria: Ambry Variant Classification Scheme 2023. Collection method: clinical testing. Allele origin: germline.
Comment: The p.R1425K variant (also known as c.4274G>A), located in coding exon 23 of the DSP gene, results from a G to A substitution at nucleotide position 4274. The arginine at codon 1425 is replaced by lysine, an amino acid with highly similar properties. This alteration has been reported in subjects with anthracycline-associated cardiomyopathy and dilated cardiomyopathy (DCM) (Wasielewski M et al. Open Heart, 2014 Jul;1:e000116; Mazzarotto F et al. Circulation, 2020 Feb;141:387-398). This variant was also detected in a cardiomyopathy genetic testing cohort; however, clinical details were limited, and additional cardiac variants were detected in some cases (van Lint FHM et al. Neth Heart J, 2019 Jun;27:304-309). This amino acid position is not well conserved in available vertebrate species. In addition, this alteration is predicted to be tolerated by in silico analysis. Since supporting evidence is limited at this time, the clinical significance of this alteration remains unclear.

GeneDx
Classification: Uncertain significance. Last evaluated: 2017-08-08. Review status: criteria provided, single submitter. Criteria: GeneDx Variant Classification (06012015). Collection method: clinical testing. Allele origin: germline. Affected: yes.
Comment: A variant of uncertain significance has been identified in the DSP gene. The R1425K variant has been reported in one patient with anthracycline-associated cardiomyopathy (AACM) (Wasielewski et al., 2014). The R1425K variant is not observed at a significant frequency in large population cohorts (Lek et al., 2016; 1000 Genomes Consortium et al., 2015; Exome Variant Server). However, the R1425K variant is a conservative amino acid substitution, which is not likely to impact secondary protein structure as these residues share similar properties. This substitution occurs at a position that is only conserved in mammals and where lysine (K) is present as the wild type in multiple species. In silico analysis suggests that this variant likely does not alter the protein structure/function.

Literature cited by the submitters: PubMed 25332820 (cited by Color Diagnostics, LLC DBA Color Health and Ambry Genetics); PubMed 30847666 (cited by Color Diagnostics, LLC DBA Color Health and Ambry Genetics); PubMed 31983221 (cited by Color Diagnostics, LLC DBA Color Health and Ambry Genetics).